The following is an entry in ClinVar:

ClinVar aggregate classification (germline): Pathogenic/Likely pathogenic. Review status: criteria provided, multiple submitters, no conflicts (2 of 4 stars). 4 submissions from 4 submitters: Pathogenic (1); Likely pathogenic (3). Last evaluated 2025-12-24.

Conditions:
HYPERHOMOCYSTEINEMIA, THROMBOTIC, CBS-RELATED. Identifiers: MedGen C3150344, OMIM 236200.
Homocystinuria. Identifiers: MedGen C0019880, MONDO:0004737, HP:0002156.
Classic homocystinuria. Also called: Homocystinuria due to Cystathionine Beta-Synthase Deficiency; Homocystinuria due to CBS deficiency; Cystathionine beta-synthase deficiency; CBS deficiency; HOMOCYSTINURIA WITH OR WITHOUT RESPONSE TO PYRIDOXINE. Identifiers: Orphanet 394, MedGen C0751202, MONDO:0009352, OMIM 236200.

Allele frequency attached by ClinVar (database versions not stated): gnomAD exomes 0.00001; ExAC 0.00002.

Submissions (4):

Labcorp Genetics (formerly Invitae), Labcorp
Classification: Likely pathogenic for HYPERHOMOCYSTEINEMIA, THROMBOTIC, CBS-RELATED. Last evaluated: 2025-12-24. Review status: criteria provided, single submitter. Criteria: Invitae Variant Classification Sherloc (09022015). Collection method: clinical testing. Allele origin: germline.
Comment: This sequence change replaces cysteine, which is neutral and slightly polar, with tyrosine, which is neutral and polar, at codon 370 of the CBS protein (p.Cys370Tyr). This variant is present in population databases (rs757920190, gnomAD 0.003%). This missense change has been observed in individual(s) with homocystinuria due to cystathionine beta-synthase deficiency (PMID: 10462600). ClinVar contains an entry for this variant (Variation ID: 420089). Invitae Evidence Modeling of protein sequence and biophysical properties (such as structural, functional, and spatial information, amino acid conservation, physicochemical variation, residue mobility, and thermodynamic stability) indicates that this missense variant is expected to disrupt CBS protein function with a positive predictive value of 95%. Experimental studies have shown that this missense change affects CBS function (PMID: 22267502). In summary, the currently available evidence indicates that the variant is pathogenic, but additional data are needed to prove that conclusively. Therefore, this variant has been classified as Likely Pathogenic.

GeneDx
Classification: Likely pathogenic. Last evaluated: 2025-07-28. Review status: criteria provided, single submitter. Criteria: GeneDx Variant Classification Process June 2021. Collection method: clinical testing. Allele origin: germline. Affected: yes.
Comment: Published functional studies in yeast demonstrate that p.C370Y results in a nonfunctional allele (PMID: 22267502); Not observed at significant frequency in large population cohorts (gnomAD); In silico analysis supports that this missense variant has a deleterious effect on protein structure/function; This variant is associated with the following publications: (PMID: 10462600, 22267502)

Baylor Genetics
Classification: Pathogenic for Classic homocystinuria. Last evaluated: 2024-03-27. Review status: criteria provided, single submitter. Criteria: ACMG Guidelines, 2015. Collection method: clinical testing. Allele origin: unknown.

Women's Health and Genetics/Laboratory Corporation of America, LabCorp
Classification: Likely pathogenic for Homocystinuria. Last evaluated: 2024-03-20. Review status: criteria provided, single submitter. Criteria: LabCorp Variant Classification Summary - May 2015. Collection method: clinical testing. Allele origin: germline.
Comment: Variant summary: CBS c.1109G>A (p.Cys370Tyr) results in a non-conservative amino acid change located in the Tryptophan synthase beta chain-like, PALP domain (IPR001926) of the encoded protein sequence. Five of five in-silico tools predict a damaging effect of the variant on protein function. The variant allele was found at a frequency of 1.2e-05 in 247582 control chromosomes (gnomAD). c.1109G>A has been reported in the literature in two compound heterozygous siblings affected with Homocystinuria (Tsai_1997). These data indicate that the variant may be associated with disease. At least one publication reports experimental evidence evaluating an impact on protein function indicating that this variant is unable to rescue growth in the yeast ortholog of CBS gene (Mayfield_2012). The following publications have been ascertained in the context of this evaluation (PMID: 22267502, 10462600). ClinVar contains an entry for this variant (Variation ID: 420089). Based on the evidence outlined above, the variant was classified as likely pathogenic.

Literature cited by the submitters: PubMed 10462600 (cited by Labcorp Genetics (formerly Invitae), Labcorp and Women's Health and Genetics/Laboratory Corporation of America, LabCorp); PubMed 22267502 (cited by Labcorp Genetics (formerly Invitae), Labcorp and Women's Health and Genetics/Laboratory Corporation of America, LabCorp).

NM_000071.3(CBS):c.1109G>A (p.Cys370Tyr)

Gene: CBS (cystathionine beta-synthase; minus strand). Cytogenetic location: 21q22.3.
Variant type: single nucleotide variant.
Coding change: c.1109G>A on transcript NM_000071.3 (MANE Select); coding-DNA position 1109, G replaced by A.
Protein change: p.Cys370Tyr; replaces cysteine 370 with tyrosine.
Molecular consequence: missense variant.
Genome position (GRCh38, 1-based): chr21:43,060,477, C>T on the plus strand (G>A on the coding strand, the complement: CBS is on the minus strand). VCF-style: chr21-43060477-C-T. GRCh37 (hg19) VCF-style: chr21-44480587-C-T.
Other names: c.1109G>A, p.Cys370Tyr (NM_001178008.3, NM_001178009.3, NM_001320298.2); c.794G>A, p.Cys265Tyr (NM_001321072.1); short protein forms C370Y, C265Y.
Identifiers: ClinVar variation 420089 (VCV000420089.11), dbSNP rs757920190, ClinGen allele CA16621012.
Genomic context (GRCh38, chr21:43,060,477, plus strand): 5'-CCTGGGAGGGAAGCCGTGTCTTACATGTAGTTCCGCACTGAGTCGGGCAGAATGACCACG[C>T]AGCGCTGGCCCTCCTGCAGCTCCTGCGCGGCCTTCACGGCCACCGCCACCGTGCTGCCAG-3'
Protein context (NP_000062.1, residues 360-380): AAQELQEGQR[Cys370Tyr]VVILPDSVRN